The following is an entry in ClinVar:

ClinVar aggregate classification (germline): Pathogenic (1 of 4 stars; one submission).

Conditions:
LAMA2-related muscular dystrophy (LAMA2-RD). Also called: Laminin alpha 2-related dystrophy. Identifiers: MedGen C5679788, MONDO:0100228.

Submission:

Myriad Genetics, Inc.
Classification: Pathogenic for LAMA2-related muscular dystrophy. Last evaluated: 2026-06-09. Review status: criteria provided, single submitter. Criteria: Myriad Autosomal Dominant, Autosomal Recessive and X-Linked Classification Criteria (2023). Collection method: clinical testing. Allele origin: unknown.
Comment: NM_000426.3(LAMA2):c.4987C>T(Q1663*) is expected to be pathogenic in the context of muscular dystrophy, LAMA2-related. This variant is predicted to lead to an abnormal or absent protein product due to the creation of a premature termination codon in LAMA2, a gene where loss-of-function variants are known to be pathogenic. Please note: this variant was assessed in the context of healthy population screening.

NM_000426.4(LAMA2):c.4987C>T (p.Gln1663Ter)

Gene: LAMA2 (laminin subunit alpha 2; plus strand). Cytogenetic location: 6q22.33.
Variant type: single nucleotide variant.
Coding change: c.4987C>T on transcript NM_000426.4 (MANE Select); coding-DNA position 4987, C replaced by T.
Protein change: p.Gln1663Ter; replaces glutamine 1663 with a stop codon.
Molecular consequence: nonsense.
Genome position (GRCh38, 1-based): chr6:129,383,149, C>T. VCF-style: chr6-129383149-C-T. GRCh37 (hg19) VCF-style: chr6-129704294-C-T.
Other names: c.4987C>T, p.Gln1663Ter (NM_001079823.2); short protein forms Q1663*.
Identifiers: ClinVar variation 5016011 (VCV005016011.1).